The following is an entry in ClinVar:

NM_003872.3(NRP2):c.1820C>T (p.Thr607Ile)

Gene: NRP2 (neuropilin 2; plus strand). Cytogenetic location: 2q33.3.
Variant type: single nucleotide variant.
Coding change: c.1820C>T on transcript NM_003872.3 (MANE Select); coding-DNA position 1820, C replaced by T.
Protein change: p.Thr607Ile; replaces threonine 607 with isoleucine.
Molecular consequence: missense variant.
Genome position (GRCh38, 1-based): chr2:205,749,758, C>T. VCF-style: chr2-205749758-C-T. GRCh37 (hg19) VCF-style: chr2-206614482-C-T.
Other names: c.1820C>T, p.Thr607Ile (NM_018534.4, NM_201266.2, NM_201267.2 and 1 more transcripts); short protein forms T607I.
Identifiers: ClinVar variation 4987549 (VCV004987549.1).

ClinVar aggregate classification (germline): Uncertain significance (1 of 4 stars; one submission).

Conditions:
NRP2-related disorder. Also called: NRP2-related condition.

gnomAD v4.1: 3 of 1,614,198 alleles (0.00019%); highest among the groups gnomAD compares: Admixed American, 0.0017%; no homozygotes.

Submission:

PreventionGenetics, part of Exact Sciences
Classification: Uncertain significance for NRP2-related condition. Last evaluated: 2025-05-27. Review status: criteria provided, single submitter. Criteria: ACMG Guidelines, 2015. Collection method: clinical testing. Allele origin: germline.
Comment: The NRP2 c.1820C>T variant is predicted to result in the amino acid substitution p.Thr607Ile. To our knowledge, this variant has not been reported in the literature. This variant is reported in 0.0029% of alleles in individuals of Latino descent in gnomAD. At this time, the clinical significance of this variant is uncertain due to the absence of conclusive functional and genetic evidence.